The following is an entry in ClinVar:

NM_058004.4(PI4KA):c.871G>A (p.Asp291Asn)

Gene: PI4KA (phosphatidylinositol 4-kinase alpha; minus strand). Cytogenetic location: 22q11.21.
Variant type: single nucleotide variant.
Coding change: c.871G>A on transcript NM_058004.4 (MANE Select); coding-DNA position 871, G replaced by A.
Protein change: p.Asp291Asn; replaces aspartic acid 291 with asparagine.
Molecular consequence: missense variant.
Genome position (GRCh38, 1-based): chr22:20,813,492, C>T on the plus strand (G>A on the coding strand, the complement: PI4KA is on the minus strand). VCF-style: chr22-20813492-C-T. GRCh37 (hg19) VCF-style: chr22-21167780-C-T.
Other names: c.871G>A, p.Asp291Asn (NM_001362862.2, NM_001362863.2); short protein forms D291N.
Identifiers: ClinVar variation 4979235 (VCV004979235.1).
Genomic context (GRCh38, chr22:20,813,492, plus strand): 5'-AGACTGAGAAGCTGGAGCTGATGGTTGAAAAGTAGTACTCAGGCTCTAGGGCAGTCCCAT[C>T]GGGCAAGCAGGAGGCTGGTGGGAGATAAAGCTGGAAACTCAGCCGTGGTGACAGGCAACT-3'
Protein context (NP_477352.3, residues 281-301): FHYFEASCLP[Asp291Asn]GTALEPEYYF

ClinVar aggregate classification (germline): Likely benign (1 of 4 stars; one submission).

Conditions:
PI4KA-related disorder. Also called: PI4KA-related condition; PI4KA-related disorders. Identifiers: MedGen CN378147, MONDO:1040012.

gnomAD v4.1: 210 of 1,613,864 alleles (0.013%); highest among the groups gnomAD compares: Middle Eastern, 0.15%; 1 homozygote.

Submission:

PreventionGenetics, part of Exact Sciences
Classification: Likely benign for PI4KA-related condition. Last evaluated: 2025-03-09. Review status: criteria provided, single submitter. Criteria: ACMG Guidelines, 2015. Collection method: clinical testing. Allele origin: germline.
Comment: This variant is classified as likely benign based on ACMG/AMP sequence variant interpretation guidelines (Richards et al. 2015 PMID: 25741868, with internal and published modifications).